The following is an entry in ClinVar:

ClinVar aggregate classification (germline): Pathogenic/Likely pathogenic. Review status: criteria provided, multiple submitters, no conflicts (2 of 4 stars). 10 submissions from 10 submitters: Pathogenic (5); Likely pathogenic (5). Last evaluated 2026-06-19.

Conditions:
OTOG-related disorder. Also called: OTOG-related condition.
Autosomal recessive nonsyndromic hearing loss 18B. Also called: Deafness, autosomal recessive 18b. Identifiers: Orphanet 90636, MedGen C3554163, MONDO:0013985, OMIM 614945.

Allele frequency attached by ClinVar (database versions not stated): gnomAD exomes 0.00005; ExAC 0.00006; TOPMed 0.00009.
gnomAD v4.1: 70 of 1,548,596 alleles (0.0045%); highest among the groups gnomAD compares: Non-Finnish European, 0.0056%; no homozygotes.

Submissions (10):

Victorian Clinical Genetics Services, Murdoch Childrens Research Institute
Classification: Pathogenic for Autosomal recessive nonsyndromic hearing loss 18B. Last evaluated: 2026-06-19. Review status: criteria provided, single submitter. Criteria: ACMG Guidelines, 2015. Collection method: clinical testing. Allele origin: germline. Affected: yes.
Comment: This variant is classified as Pathogenic. Evidence in support of pathogenic classification: Variant is predicted to cause nonsense-mediated decay (NMD) and loss of protein (premature termination codon is located at least 54 nucleotides upstream of the final exon-exon junction); Variant is present in gnomAD <0.01 for a recessive condition (v4: 70 heterozygote(s), 0 homozygote(s)); This variant has strong previous evidence of pathogenicity in unrelated individuals. This variant has been reported as likely pathogenic and pathogenic by multiple clinical laboratories in ClinVar; Other NMD-predicted variant(s) comparable to the one identified in this case have very strong previous evidence for pathogenicity (DECIPHER). Additional information: This variant is homozygous; This gene is associated with autosomal recessive disease; Loss of function is a known mechanism of disease in this gene and is associated with deafness, autosomal recessive 18B (MIM#614945); Inheritance information for this variant is not currently available in this individual.

CeGaT Center for Human Genetics Tuebingen
Classification: Pathogenic. Last evaluated: 2026-02-01. Review status: criteria provided, single submitter. Criteria: CeGaT Center For Human Genetics Tuebingen Variant Classification Criteria Version 2. Collection method: clinical testing. Allele origin: germline. Affected: yes. Observed: 2 variant alleles.
Comment: OTOG: PVS1, PM3:Strong, PM2

Labcorp Genetics (formerly Invitae), Labcorp
Classification: Pathogenic. Last evaluated: 2026-01-19. Review status: criteria provided, single submitter. Criteria: Invitae Variant Classification Sherloc (09022015). Collection method: clinical testing. Allele origin: germline.
Comment: This sequence change creates a premature translational stop signal (p.Arg1234*) in the OTOG gene. It is expected to result in an absent or disrupted protein product. Loss-of-function variants in OTOG are known to be pathogenic (PMID: 23122587). This variant is present in population databases (rs560339163, gnomAD 0.02%). This variant has not been reported in the literature in individuals affected with OTOG-related conditions. ClinVar contains an entry for this variant (Variation ID: 489360). Algorithms developed to predict the effect of sequence changes on RNA splicing suggest that this variant may disrupt the consensus splice site. For these reasons, this variant has been classified as Pathogenic.

Variantyx, Inc.
Classification: Likely pathogenic for Autosomal recessive nonsyndromic hearing loss 18B. Last evaluated: 2026-01-16. Review status: criteria provided, single submitter. Criteria: Variantyx Assertion Criteria 2022. Collection method: clinical testing. Allele origin: germline. Inheritance: Autosomal recessive inheritance. Affected: no.
Comment: This is a nonsense variant in the OTOG gene (OMIM: 604487). Pathogenic variants in this gene have been associated with autosomal recessive deafness 18B. This variant introduces a premature termination codon in exon 30 out of 56 and is expected to result in loss of function, which is a known disease mechanism for OTOG in this disorder (PMID: 23122587) (PVS1). It has a 0.0056% maximum allele frequency in non-founder control populations (PM2). Based on the current evidence, this variant is classified as likely pathogenic for autosomal recessive deafness 18B.No other variant of clinical significance was identified in the OTOG gene.

PreventionGenetics, part of Exact Sciences
Classification: Likely pathogenic for OTOG-related condition. Last evaluated: 2025-12-29. Review status: criteria provided, single submitter. Criteria: ACMG Guidelines, 2015. Collection method: clinical testing. Allele origin: germline.
Comment: The OTOG c.3700C>T variant is predicted to result in premature protein termination (p.Arg1234*). To our knowledge, this variant has not been reported in the literature. This variant is reported in 0.018% of alleles in individuals of South Asian descent in gnomAD. Nonsense variants in OTOG are expected to be pathogenic. This variant is interpreted as likely pathogenic.

GeneDx
Classification: Pathogenic. Last evaluated: 2025-11-20. Review status: criteria provided, single submitter. Criteria: GeneDx Variant Classification Process June 2021. Collection method: clinical testing. Allele origin: germline. Affected: yes.
Comment: Nonsense variant predicted to result in protein truncation or nonsense mediated decay in a gene for which loss of function is a known mechanism of disease; Has not been previously published as pathogenic or benign to our knowledge

Human Genetics Bochum, Ruhr University Bochum
Classification: Likely pathogenic for Autosomal recessive nonsyndromic hearing loss 18B. Last evaluated: 2025-03-10. Review status: criteria provided, single submitter. Criteria: ACMG Guidelines, 2015. Collection method: clinical testing. Allele origin: germline. Affected: yes.
Comment: ACMG criteria used to clasify this variant: PVS1_STR, PM2_SUP, PP3

Mayo Clinic Laboratories, Mayo Clinic
Classification: Likely pathogenic. Last evaluated: 2023-04-06. Review status: criteria provided, single submitter. Criteria: ACMG Guidelines, 2015. Collection method: clinical testing. Allele origin: germline. Observed: 1 variant allele.
Comment: PM2, PVS1

Institute of Medical Genetics and Applied Genomics, University Hospital Tübingen
Classification: Pathogenic. Last evaluated: 2021-06-17. Review status: criteria provided, single submitter. Criteria: ACMG Guidelines, 2015. Collection method: clinical testing. Allele origin: germline. Inheritance: Autosomal recessive inheritance. Affected: yes.

Juno Genomics, Hangzhou Juno Genomics, Inc
Classification: Likely pathogenic for Autosomal recessive nonsyndromic hearing loss 18B. Review status: criteria provided, single submitter. Criteria: ACMG Guidelines, 2015. Collection method: clinical testing. Allele origin: germline.
Comment: Null variant in a gene where loss of function (LOF) is a known mechanism of disease.;Absent from controls (or at extremely low frequency if recessive) in Genome Aggregation Database.

Literature cited by the submitters: PubMed 23122587 (cited by Labcorp Genetics (formerly Invitae), Labcorp and Variantyx, Inc.).

NM_001292063.2(OTOG):c.3664C>T (p.Arg1222Ter)

Gene: OTOG (otogelin; plus strand). Cytogenetic location: 11p15.1.
Variant type: single nucleotide variant.
Coding change: c.3664C>T on transcript NM_001292063.2 (MANE Select); coding-DNA position 3664, C replaced by T.
Protein change: p.Arg1222Ter; replaces arginine 1222 with a stop codon.
Molecular consequence: nonsense.
Genome position (GRCh38, 1-based): chr11:17,596,989, C>T. VCF-style: chr11-17596989-C-T. GRCh37 (hg19) VCF-style: chr11-17618536-C-T.
Other names: p.Arg1234*; c.3700C>T, p.Arg1234Ter (NM_001277269.2); short protein forms R1234*, R1222*.
Identifiers: ClinVar variation 489360 (VCV000489360.40), dbSNP rs560339163, ClinGen allele CA5905758.